The following is an entry in ClinVar:

NM_000051.4(ATM):c.3262T>C (p.Leu1088=)

Gene: ATM (ATM serine/threonine kinase; plus strand). Cytogenetic location: 11q22.3.
Variant type: single nucleotide variant.
Coding change: c.3262T>C on transcript NM_000051.4 (MANE Select); coding-DNA position 3262, T replaced by C.
Protein change: p.Leu1088=; no amino-acid change (leucine 1088 retained).
Molecular consequence: synonymous variant.
Genome position (GRCh38, 1-based): chr11:108,272,830, T>C. VCF-style: chr11-108272830-T-C. GRCh37 (hg19) VCF-style: chr11-108143557-T-C.
Other names: c.3262T>C, p.Leu1088= (NM_001351834.2).
Identifiers: ClinVar variation 927848 (VCV000927848.7), dbSNP rs2081670323, ClinGen allele CA476745138.
Genomic context (GRCh38, chr11:108,272,830, plus strand): 5'-TTTCCTGTAAATGAAGTATTTACACAATTTCTTGCTGACAATCATCACCAAGTTCGCATG[T>C]TGGCTGCAGAGTCAATCAATAGGTAATGGGTCAAATATTCATGAAGTATTTGGAATGCTG-3'
Protein context (NP_000042.3, residues 1078-1098): LADNHHQVRM[Leu1088=]AAESINRLFQ

ClinVar aggregate classification (germline): Benign/Likely benign. Review status: criteria provided, multiple submitters, no conflicts (2 of 4 stars). 4 submissions from 4 submitters: Benign (1); Likely benign (3). Last evaluated 2025-05-04.

Conditions:
Familial cancer of breast. Also called: BREAST CANCER, FAMILIAL; hereditary breast carcinoma; Hereditary breast cancer. Identifiers: Orphanet 227535, MedGen C0346153, MONDO:0016419, OMIM 114480. Disease mechanism: loss of function.
Hereditary cancer-predisposing syndrome. Also called: Tumor predisposition; Hereditary neoplastic syndrome; Neoplastic Syndromes, Hereditary; Hereditary Cancer Syndrome. Identifiers: Orphanet 140162, MedGen C0027672, MeSH D009386, MONDO:0015356.
Ataxia-telangiectasia syndrome (AT). Also called: Ataxia-telangiectasia, complementation group D; Cerebello-oculocutaneous telangiectasia; Immunodeficiency with ataxia telangiectasia; LOUIS-BAR SYNDROME; Ataxia-telangiectasia; AT, COMPLEMENTATION GROUP C. Identifiers: Orphanet 100, MedGen C0004135, MONDO:0008840, OMIM 208900.

Submissions (4):

Labcorp Genetics (formerly Invitae), Labcorp
Classification: Likely benign for Ataxia-telangiectasia syndrome. Last evaluated: 2025-05-04. Review status: criteria provided, single submitter. Criteria: Invitae Variant Classification Sherloc (09022015). Collection method: clinical testing. Allele origin: germline.

Ambry Genetics
Classification: Likely benign for Hereditary cancer-predisposing syndrome. Last evaluated: 2024-06-15. Review status: criteria provided, single submitter. Criteria: Ambry Variant Classification Scheme 2023. Collection method: clinical testing. Allele origin: germline.

Myriad Genetics, Inc.
Classification: Benign for Familial cancer of breast. Last evaluated: 2024-05-14. Review status: criteria provided, single submitter. Criteria: Myriad Autosomal Dominant, Autosomal Recessive and X-Linked Classification Criteria (2023). Collection method: clinical testing. Allele origin: unknown.
Comment: This variant is considered benign. This variant is a silent/synonymous amino acid change and it is not expected to impact splicing.

Color Diagnostics, LLC DBA Color Health
Classification: Likely benign for Hereditary cancer-predisposing syndrome. Last evaluated: 2018-11-27. Review status: criteria provided, single submitter. Criteria: ACMG Guidelines, 2015. Collection method: clinical testing. Allele origin: germline.